The following is an entry in ClinVar:

NM_003579.4(RAD54L):c.718C>G (p.Pro240Ala)

Gene: RAD54L (RAD54 like; plus strand). Cytogenetic location: 1p34.1.
Variant type: single nucleotide variant.
Coding change: c.718C>G on transcript NM_003579.4 (MANE Select); coding-DNA position 718, C replaced by G.
Protein change: p.Pro240Ala; replaces proline 240 with alanine.
Molecular consequence: missense variant.
Genome position (GRCh38, 1-based): chr1:46,260,967, C>G. VCF-style: chr1-46260967-C-G. GRCh37 (hg19) VCF-style: chr1-46726639-C-G.
Other names: c.718C>G, p.Pro240Ala (NM_001142548.2); c.178C>G, p.Pro60Ala (NM_001370766.1); short protein forms P60A, P240A.
Identifiers: ClinVar variation 3312463 (VCV003312463.1).

ClinVar aggregate classification (germline): Uncertain significance (1 of 4 stars; one submission).

Submission:

Ambry Genetics
Classification: Uncertain significance. Last evaluated: 2024-04-25. Review status: criteria provided, single submitter. Criteria: Ambry Variant Classification Scheme 2023. Collection method: clinical testing. Allele origin: germline.
Comment: The p.P240A variant (also known as c.718C>G), located in coding exon 7 of the RAD54L gene, results from a C to G substitution at nucleotide position 718. The proline at codon 240 is replaced by alanine, an amino acid with highly similar properties. This amino acid position is conserved. In addition, this alteration is predicted to be deleterious by in silico analysis. Based on the available evidence, the clinical significance of this variant remains unclear.